The following is an entry in ClinVar:

NM_004006.3(DMD):c.6973C>A (p.Gln2325Lys)

Gene: DMD (dystrophin; minus strand). Cytogenetic location: Xp21.1.
Variant type: single nucleotide variant.
Coding change: c.6973C>A on transcript NM_004006.3 (MANE Select); coding-DNA position 6973, C replaced by A.
Protein change: p.Gln2325Lys; replaces glutamine 2325 with lysine.
Molecular consequence: missense variant. On other transcripts: 5 prime UTR variant (5).
Genome position (GRCh38, 1-based): chrX:31,875,313, G>T on the plus strand (C>A on the coding strand, the complement: DMD is on the minus strand). VCF-style: chrX-31875313-G-T. GRCh37 (hg19) VCF-style: chrX-31893430-G-T.
Other names: c.6949C>A, p.Gln2317Lys (NM_000109.4); c.6961C>A, p.Gln2321Lys (NM_004009.3); c.6604C>A, p.Gln2202Lys (NM_004010.3); c.2950C>A, p.Gln984Lys (NM_004011.4); c.2941C>A, p.Gln981Lys (NM_004012.4); c.-408C>A (NM_004013.3, NM_004020.4, NM_004021.3 and 2 more transcripts); c.6973C>A (NM_004006.2); short protein forms Q2325K, Q2202K, Q2317K, Q984K, Q2321K, Q981K.
Identifiers: ClinVar variation 594861 (VCV000594861.9), dbSNP rs781054741, ClinGen allele CA10378363.
Genomic context (GRCh38, chrX:31,875,313, plus strand): 5'-ATAACCACAGCAGCAGATGATTTAACTGCTCTTCAAGGTCTTCAAGCTTTTTTTCAAGCT[G>T]CCCAAGGTCTTTTATTTGAGCTTCAATTTCTCCTTGTTTCTCAGGTAAAGCTCTGGAAAC-3'
Protein context (NP_003997.2, residues 2315-2335): EIEAQIKDLG[Gln2325Lys]LEKKLEDLEE

ClinVar aggregate classification (germline): Conflicting classifications of pathogenicity. Review status: criteria provided, conflicting classifications (1 of 4 stars). 4 submissions from 4 submitters: Uncertain significance (3); Likely benign (1). Last evaluated 2024-11-25.

Conditions:
Cardiovascular phenotype. Identifiers: MedGen CN230736.
Duchenne muscular dystrophy (DMD). Also called: MUSCULAR DYSTROPHY, PSEUDOHYPERTROPHIC PROGRESSIVE, DUCHENNE TYPE; Duchenne Muscular Dystrophy (DMD). Identifiers: Orphanet 98896, MedGen C0013264, MONDO:0010679, OMIM 310200.

Allele frequency attached by ClinVar (database versions not stated): TOPMed below 0.00001; gnomAD exomes 0.00001; ExAC 0.00003.
gnomAD v4.1: 7 of 1,207,241 alleles (0.00058%); highest among the groups gnomAD compares: Non-Finnish European, 0.00078%; no homozygotes.

Submissions (4):

Ambry Genetics
Classification: Likely benign for Cardiovascular phenotype. Last evaluated: 2024-11-25. Review status: criteria provided, single submitter. Criteria: Ambry Variant Classification Scheme 2023. Collection method: clinical testing. Allele origin: germline.

Labcorp Genetics (formerly Invitae), Labcorp
Classification: Uncertain significance for Duchenne muscular dystrophy. Last evaluated: 2024-05-16. Review status: criteria provided, single submitter. Criteria: Invitae Variant Classification Sherloc (09022015). Collection method: clinical testing. Allele origin: germline.
Comment: This sequence change replaces glutamine, which is neutral and polar, with lysine, which is basic and polar, at codon 2325 of the DMD protein (p.Gln2325Lys). The frequency data for this variant in the population databases is considered unreliable, as metrics indicate poor data quality at this position in the gnomAD database. This variant has not been reported in the literature in individuals affected with DMD-related conditions. ClinVar contains an entry for this variant (Variation ID: 594861). Advanced modeling of protein sequence and biophysical properties (such as structural, functional, and spatial information, amino acid conservation, physicochemical variation, residue mobility, and thermodynamic stability) performed at Invitae indicates that this missense variant is not expected to disrupt DMD protein function with a negative predictive value of 95%. In summary, the available evidence is currently insufficient to determine the role of this variant in disease. Therefore, it has been classified as a Variant of Uncertain Significance.

Clinical Genetics Laboratory, Skane University Hospital Lund
Classification: Uncertain significance. Last evaluated: 2023-03-09. Review status: criteria provided, single submitter. Criteria: ACMG Guidelines, 2015. Collection method: clinical testing. Allele origin: germline. Affected: yes.

Eurofins Ntd Llc (ga)
Classification: Uncertain significance. Last evaluated: 2017-11-14. Review status: criteria provided, single submitter. Criteria: EGL Classification Definitions 2015. Collection method: clinical testing. Allele origin: germline. Observed: 1 variant allele, 1 heterozygote.